The following is an entry in ClinVar:

ClinVar aggregate classification (germline): Uncertain significance (1 of 4 stars; one submission).

Submission:

GeneDx
Classification: Uncertain significance. Last evaluated: 2019-10-01. Review status: criteria provided, single submitter. Criteria: GeneDx Variant Classification Process June 2021. Collection method: clinical testing. Allele origin: germline. Affected: yes.
Comment: Not observed in large population cohorts (Lek et al., 2016); In silico analysis, which includes protein predictors and evolutionary conservation, supports a deleterious effect; Has not been previously published as pathogenic or benign to our knowledge; This substitution occurs within a Gly in the Gly-X-Y motif in the triple helical (TH) domain of collagen IV, a region that is well-conserved across species.

NM_001845.6(COL4A1):c.4049G>A (p.Gly1350Asp)

Gene: COL4A1 (collagen type IV alpha 1 chain; minus strand). Cytogenetic location: 13q34.
Variant type: single nucleotide variant.
Coding change: c.4049G>A on transcript NM_001845.6 (MANE Select); coding-DNA position 4049, G replaced by A.
Protein change: p.Gly1350Asp; replaces glycine 1350 with aspartic acid.
Molecular consequence: missense variant.
Genome position (GRCh38, 1-based): chr13:110,164,963, C>T on the plus strand (G>A on the coding strand, the complement: COL4A1 is on the minus strand). VCF-style: chr13-110164963-C-T. GRCh37 (hg19) VCF-style: chr13-110817310-C-T.
Other names: short protein forms G1350D.
Identifiers: ClinVar variation 1320424 (VCV001320424.2), dbSNP rs2139149340, ClinGen allele CA388660276.